The following is an entry in ClinVar:

NM_000059.4(BRCA2):c.4101A>T (p.Lys1367Asn)

Gene: BRCA2 (BRCA2 DNA repair associated; plus strand). Cytogenetic location: 13q13.1.
Variant type: single nucleotide variant.
Coding change: c.4101A>T on transcript NM_000059.4 (MANE Select); coding-DNA position 4101, A replaced by T.
Protein change: p.Lys1367Asn; replaces lysine 1367 with asparagine.
Molecular consequence: missense variant.
Genome position (GRCh38, 1-based): chr13:32,338,456, A>T. VCF-style: chr13-32338456-A-T. GRCh37 (hg19) VCF-style: chr13-32912593-A-T.
Other names: c.4101A>T, p.Lys1367Asn (NM_001406719.1, NM_001406720.1); short protein forms K1367N.
Identifiers: ClinVar variation 1737858 (VCV001737858.4), dbSNP rs786201982, ClinGen allele CA387779258.

ClinVar aggregate classification (germline): Conflicting classifications of pathogenicity. Review status: criteria provided, conflicting classifications (1 of 4 stars). 2 submissions from 2 submitters: Uncertain significance (1); Likely benign (1). Last evaluated 2023-03-23.

Conditions:
Hereditary cancer-predisposing syndrome. Also called: Neoplastic Syndromes, Hereditary; Tumor predisposition; Hereditary Cancer Syndrome; Hereditary neoplastic syndrome. Identifiers: Orphanet 140162, MedGen C0027672, MeSH D009386, MONDO:0015356.

Submissions (2):

University of Washington Department of Laboratory Medicine, University of Washington
Classification: Likely benign for Hereditary cancer-predisposing syndrome. Last evaluated: 2023-03-23. Review status: criteria provided, single submitter. Criteria: Dines et al. (Genet Med. 2020). Collection method: curation. Allele origin: germline.
Comment: Missense variant in a coldspot region where missense variants are very unlikely to be pathogenic (PMID:31911673).

BRCA2 exon 11 coldspot. Reclassification based on statistical prior probability.

Ambry Genetics
Classification: Uncertain significance for Hereditary cancer-predisposing syndrome. Last evaluated: 2021-01-07. Review status: criteria provided, single submitter. Criteria: Ambry Variant Classification Scheme 2023. Collection method: clinical testing. Allele origin: germline.
Comment: The p.K1367N variant (also known as c.4101A>T), located in coding exon 10 of the BRCA2 gene, results from an A to T substitution at nucleotide position 4101. The lysine at codon 1367 is replaced by asparagine, an amino acid with similar properties. This amino acid position is not well conserved in available vertebrate species. In addition, this alteration is predicted to be tolerated by in silico analysis. Since supporting evidence is limited at this time, the clinical significance of this alteration remains unclear.